The following is an entry in ClinVar:

NM_014363.6(SACS):c.11157del (p.Glu3720fs)

Gene: SACS (sacsin molecular chaperone; minus strand). Cytogenetic location: 13q12.12.
Variant type: Deletion.
Coding change: c.11157del on transcript NM_014363.6 (MANE Select); coding-DNA position 11157, one base deleted (A; older notation c.11157delA).
Protein change: p.Glu3720fs; shifts the reading frame from glutamic acid 3720.
Molecular consequence: frameshift variant.
Genome position (GRCh38, 1-based): chr13:23,332,719, T deleted on the plus strand (A on the coding strand, the reverse complement: SACS is on the minus strand); the first of 2 consecutive T bases (chr13:23,332,719-23,332,720); deleting either gives the same sequence. VCF-style (leftmost placement, unchanged base first): chr13-23332718-CT-C. GRCh37 (hg19) VCF-style: chr13-23906857-CT-C.
Other names: c.10716del, p.Glu3573fs (NM_001278055.2); short protein forms E3573fs, E3720fs.
Identifiers: ClinVar variation 2171654 (VCV002171654.4), dbSNP rs2542174278, ClinGen allele CA2580086830.
Genomic context (GRCh38, chr13:23,332,718, plus strand): 5'-TAACATTAAGCATATTTAAAACTTGTTCAAGCTGTTCTTGTGGACCAAGGTCACTACCTT[CT>C]TGTTCTTTAATGCTTAAGGGTGTAGCTTTCTCTGGAAGAATAGGGCAGGATGTCCATAAC-3'

ClinVar aggregate classification (germline): Pathogenic (1 of 4 stars; one submission).

Conditions:
Spastic paraplegia. Identifiers: MedGen C0037772, HP:0001258.

Submission:

Labcorp Genetics (formerly Invitae), Labcorp
Classification: Pathogenic for Spastic paraplegia. Last evaluated: 2022-08-26. Review status: criteria provided, single submitter. Criteria: Invitae Variant Classification Sherloc (09022015). Collection method: clinical testing. Allele origin: germline.
Comment: This sequence change creates a premature translational stop signal (p.Glu3720Lysfs*15) in the SACS gene. While this is not anticipated to result in nonsense mediated decay, it is expected to disrupt the last 860 amino acid(s) of the SACS protein. This variant is not present in population databases (gnomAD no frequency). This variant has not been reported in the literature in individuals affected with SACS-related conditions. This variant disrupts a region of the SACS protein in which other variant(s) (p.Asn4549Asp) have been determined to be pathogenic (PMID: 15156359, 21507954). This suggests that this is a clinically significant region of the protein, and that variants that disrupt it are likely to be disease-causing. For these reasons, this variant has been classified as Pathogenic.

Literature cited by the submitters: PubMed 15156359; PubMed 21507954.